The following is an entry in ClinVar:

ClinVar aggregate classification (germline): Pathogenic. Review status: reviewed by expert panel (3 of 4 stars). 12 submissions from 12 submitters: Pathogenic (1). 11 of the submissions do not count toward it. Last evaluated 2016-09-08.

Conditions:
Familial cancer of breast. Also called: BREAST CANCER, FAMILIAL; Hereditary breast cancer; hereditary breast carcinoma. Identifiers: Orphanet 227535, MedGen C0346153, MONDO:0016419, OMIM 114480. Disease mechanism: loss of function.
Hereditary cancer-predisposing syndrome. Also called: Neoplastic Syndromes, Hereditary; Tumor predisposition; Hereditary Cancer Syndrome; Hereditary neoplastic syndrome. Identifiers: Orphanet 140162, MedGen C0027672, MeSH D009386, MONDO:0015356.
Hereditary breast ovarian cancer syndrome. Also called: Hereditary breast and ovarian cancer syndrome; Hereditary breast and ovarian cancer; Hereditary breast and ovarian cancer syndrome (HBOC); Breast and ovarian cancer; Hereditary breast and/or ovarian cancer syndrome; BRCA1- and BRCA2-Associated Hereditary Breast and Ovarian Cancer. Identifiers: Orphanet 145, MedGen C0677776, MeSH D061325, MONDO:0003582. Disease mechanism: loss of function.
Breast-ovarian cancer, familial, susceptibility to, 2 (BROVCA2). Also called: BRCA2 Hereditary Breast and Ovarian Cancer. Identifiers: Orphanet 145, MedGen C2675520, MONDO:0012933, OMIM 612555. Disease mechanism: loss of function.
BRCA2-related cancer predisposition. Identifiers: MedGen CN377758, MONDO:0700269.

Allele frequency attached by ClinVar (database versions not stated): gnomAD 0.00001.
gnomAD v4.1: 1 of 1,587,958 alleles (0.000063%); highest among the groups gnomAD compares: African/African-American, 0.0014%; no homozygotes.

Submissions (12):

Evidence-based Network for the Interpretation of Germline Mutant Alleles (ENIGMA)
Classification: Pathogenic for Breast-ovarian cancer, familial, susceptibility to, 2. Last evaluated: 2016-09-08. Review status: reviewed by expert panel. Criteria: ENIGMA BRCA1/2 Classification Criteria (2015). Collection method: curation. Allele origin: germline.
Comment: Variant allele predicted to encode a truncated non-functional protein.

GeneDx
Classification: Pathogenic. Last evaluated: 2026-02-01. Review status: criteria provided, single submitter. Criteria: GeneDx Variant Classification Process June 2021. Collection method: clinical testing. Allele origin: germline. Affected: yes. Not counted in ClinVar's aggregate classification.
Comment: Nonsense variant predicted to result in protein truncation or nonsense mediated decay in a gene for which loss of function is a known mechanism of disease; Observed in individuals with breast cancer or familial pancreatic cancer (PMID: 16912212, 25356972); Not observed at significant frequency in large population cohorts (gnomAD); Truncating variants in this gene are considered pathogenic by a well-established clinical consortium and/or database; Also known as 4195A>T; This variant is associated with the following publications: (PMID: 25356972, 29847298, 16912212, 28152038, 29446198, 31409081, 30702160, 30322717)

Labcorp Genetics (formerly Invitae), Labcorp
Classification: Pathogenic for Hereditary breast ovarian cancer syndrome. Last evaluated: 2025-07-30. Review status: criteria provided, single submitter. Criteria: Invitae Variant Classification Sherloc (09022015). Collection method: clinical testing. Allele origin: germline. Not counted in ClinVar's aggregate classification.
Comment: This sequence change creates a premature translational stop signal (p.Lys1323*) in the BRCA2 gene. It is expected to result in an absent or disrupted protein product. Loss-of-function variants in BRCA2 are known to be pathogenic (PMID: 20104584). This variant is not present in population databases (gnomAD no frequency). This premature translational stop signal has been observed in individual(s) with pancreatic cancer (PMID: 25356972). This variant is also known as 4195A>T. ClinVar contains an entry for this variant (Variation ID: 51577). For these reasons, this variant has been classified as Pathogenic.

All of Us Research Program, National Institutes of Health
Classification: Pathogenic for BRCA2-related cancer predisposition. Last evaluated: 2024-09-12. Review status: criteria provided, single submitter. Criteria: ACMG Guidelines, 2015. Collection method: clinical testing. Allele origin: germline. Inheritance: Autosomal dominant inheritance. Observed: 2 variant alleles, 2 heterozygotes. Not counted in ClinVar's aggregate classification.
Comment: The c.3967A>T variant in the BRCA2 gene is located on the exon 11 and introduces a premature translation termination codon (p.Lys1323*), resulting in an absent or disrupted protein product. The variant has been reported in individuals with hereditary breast and ovarian cancer or pancreatic cancer (PMID: 31409081, 25356972). The other protein termination codon variants located in the same exon (p.Ser1404*, p.Gln2160*, p.Cys2256*) have been interpreted as pathogenic (ClinVar ID: 91815, 266950, 52180). Loss-of-function variants in the BRCA2 gene are known to cause hereditary breast and ovarian cancer (PMID: 8988179, 11897832, 29446198). This variant has been reported in ClinVar as pathogenic by the expert panel (ID: 51577). The variant is rare in general population according to gnomAD (1/1587958 chromosomes (v4.1)). Therefore, the c.3967A>T (p.Lys1323*) variant in the BRCA2 gene has been classified as pathogenic.

This study involves interpretation of variants in research participants for the purpose of population health screening. Participant phenotype was not available at the time of variant classification. Additional details can be found in publication PMID: 35346344, PMCID: PMC8962531

Color Diagnostics, LLC DBA Color Health
Classification: Pathogenic for Hereditary cancer-predisposing syndrome. Last evaluated: 2024-01-31. Review status: criteria provided, single submitter. Criteria: ACMG Guidelines, 2015. Collection method: clinical testing. Allele origin: germline. Not counted in ClinVar's aggregate classification.
Comment: This variant changes 1 nucleotide in exon 11 of the BRCA2 gene, creating a premature translation stop signal. This variant is expected to result in an absent or non-functional protein product. This variant has been reported in an individual affected with pancreatic cancer (PMID: 25356972) and in individuals with a personal or family history of breast or ovarian cancer (PMID: 16912212, 29446198, 31409081). This variant has not been identified in the general population by the Genome Aggregation Database (gnomAD). Loss of BRCA2 function is a known mechanism of disease. Based on the available evidence, this variant is classified as Pathogenic.

Baylor Genetics
Classification: Pathogenic for Familial cancer of breast. Last evaluated: 2024-01-22. Review status: criteria provided, single submitter. Criteria: ACMG Guidelines, 2015. Collection method: clinical testing. Allele origin: unknown. Not counted in ClinVar's aggregate classification.

Women's Health and Genetics/Laboratory Corporation of America, LabCorp
Classification: Pathogenic for Hereditary breast ovarian cancer syndrome. Last evaluated: 2023-10-04. Review status: criteria provided, single submitter. Criteria: LabCorp Variant Classification Summary - May 2015. Collection method: clinical testing. Allele origin: germline. Not counted in ClinVar's aggregate classification.
Comment: Variant summary: BRCA2 c.3967A>T (p.Lys1323X) results in a premature termination codon, predicted to cause absence of the protein due to nonsense mediated decay, which is a commonly known mechanism for disease. The variant was absent in 229776 control chromosomes (gnomAD). c.3967A>T has been reported in the literature in individuals with personal and/or family history of Hereditary Breast and Ovarian Cancer, as well as pancreatic cancer (Rebbeck_2018, Zhen_2014, Malone_2006). These data indicate that the variant is likely to be associated with disease. Seven submitters have cited clinical-significance assessments for this variant to ClinVar after 2014. All submitters classified the variant as pathogenic/likely pathogenic. Based on the evidence outlined above, the variant was classified as pathogenic.

Ambry Genetics
Classification: Pathogenic for Hereditary cancer-predisposing syndrome. Last evaluated: 2023-03-07. Review status: criteria provided, single submitter. Criteria: Ambry Variant Classification Scheme 2023. Collection method: clinical testing. Allele origin: germline. Not counted in ClinVar's aggregate classification.
Comment: The p.K1323* pathogenic mutation (also known as c.3967A>T), located in coding exon 10 of the BRCA2 gene, results from an A to T substitution at nucleotide position 3967. This changes the amino acid from a lysine to a stop codon within coding exon 10. This pathogenic mutation [designated as K1323X (4195A>T)] has been detected in at least one family diagnosed with familial pancreatic cancer (Zhen DB et al. Genet. Med. 2015 Jul;17:569-77). In addition to the clinical data presented in the literature, this alteration is expected to result in loss of function by premature protein truncation or nonsense-mediated mRNA decay. As such, this alteration is interpreted as a disease-causing mutation.

Quest Diagnostics Nichols Institute San Juan Capistrano
Classification: Pathogenic. Last evaluated: 2018-01-04. Review status: criteria provided, single submitter. Criteria: Quest Diagnostics criteria. Collection method: clinical testing. Allele origin: unknown. Not counted in ClinVar's aggregate classification.
Comment: This nonsense variant causes the premature termination of BRCA2 protein synthesis. The frequency of this variant in the general population, 0.0000066 (1/152232 chromosomes), is consistent with pathogenicity. In the published literature, the variant has been reported in individuals (PMID: 16912212 (2006)) and families (PMID: 31409081 (2019)) affected with breast/ovarian cancer, as well as in a family affected with pancreatic cancer (PMID: 25356972 (2015)). Based on the available information, this variant is classified as pathogenic.

Consortium of Investigators of Modifiers of BRCA1/2 (CIMBA), c/o University of Cambridge
Classification: Pathogenic for Breast-ovarian cancer, familial, susceptibility to, 2. Last evaluated: 2015-10-02. Review status: criteria provided, single submitter. Criteria: CIMBA Mutation Classification guidelines May 2016. Collection method: clinical testing. Allele origin: germline. Not counted in ClinVar's aggregate classification.

Counsyl
Classification: Likely pathogenic for Breast-ovarian cancer, familial, susceptibility to, 2. Last evaluated: 2016-11-29. Review status: no assertion criteria provided. Collection method: clinical testing. Allele origin: unknown. Not counted in ClinVar's aggregate classification.

Breast Cancer Information Core (BIC) (BRCA2)
Classification: Pathogenic for Breast-ovarian cancer, familial 2. Last evaluated: 1999-04-12. Review status: no assertion criteria provided. Collection method: clinical testing. Allele origin: germline. Affected: yes. Observed: 2 variant alleles. Not counted in ClinVar's aggregate classification.

Literature cited by the submitters: PubMed 20104584 (cited by Labcorp Genetics (formerly Invitae), Labcorp); PubMed 25356972 (cited by 7 submitters); PubMed 8988179 (cited by All of Us Research Program, National Institutes of Health); PubMed 11897832 (cited by All of Us Research Program, National Institutes of Health); PubMed 29446198 (cited by 4 submitters); PubMed 31409081 (cited by 3 submitters); PubMed 16912212 (cited by 4 submitters); PubMed 30702160 (cited by Quest Diagnostics Nichols Institute San Juan Capistrano).

NM_000059.4(BRCA2):c.3967A>T (p.Lys1323Ter)

Gene: BRCA2 (BRCA2 DNA repair associated; plus strand). Cytogenetic location: 13q13.1.
Variant type: single nucleotide variant.
Coding change: c.3967A>T on transcript NM_000059.4 (MANE Select); coding-DNA position 3967, A replaced by T.
Protein change: p.Lys1323Ter; replaces lysine 1323 with a stop codon.
Molecular consequence: nonsense.
Genome position (GRCh38, 1-based): chr13:32,338,322, A>T. VCF-style: chr13-32338322-A-T. GRCh37 (hg19) VCF-style: chr13-32912459-A-T.
Other names: short protein forms K1323*.
Identifiers: ClinVar variation 51577 (VCV000051577.31), dbSNP rs80358648, ClinGen allele CA019306.